The following is an entry in ClinVar:

ClinVar aggregate classification (germline): Benign/Likely benign. Review status: criteria provided, multiple submitters, no conflicts (2 of 4 stars). 7 submissions from 7 submitters: Benign (6); Likely benign (1). Last evaluated 2026-02-02.

Conditions:
Combined immunodeficiency due to LRBA deficiency. Also called: Common variable immunodeficiency 8, with autoimmunity. Identifiers: Orphanet 445018, MedGen C3553512, MONDO:0013863, OMIM 614700.

Submissions (7):

Labcorp Genetics (formerly Invitae), Labcorp
Classification: Benign for Combined immunodeficiency due to LRBA deficiency. Last evaluated: 2026-02-02. Review status: criteria provided, single submitter. Criteria: Invitae Variant Classification Sherloc (09022015). Collection method: clinical testing. Allele origin: germline.

Women's Health and Genetics/Laboratory Corporation of America, LabCorp
Classification: Benign. Last evaluated: 2026-01-29. Review status: criteria provided, single submitter. Criteria: LabCorp Variant Classification Summary - May 2015. Collection method: clinical testing. Allele origin: germline.
Comment: Variant summary: LRBA c.1015-10delT alters a nucleotide located at a position not widely known to affect splicing. Consensus agreement among computation tools predict no significant impact on normal splicing. However, these predictions have yet to be confirmed by functional studies. The variant allele was found at a frequency of 0.15 in 61426 control chromosomes, including 9 homozygotes. The observed variant frequency exceeds the reported prevalence of Combined immunodeficiency due to LRBA deficiency. To our knowledge, no occurrence of c.1015-10delT in individuals affected with LRBA-related conditions and no experimental evidence demonstrating its impact on protein function have been reported. ClinVar contains an entry for this variant (Variation ID: 522233). Based on the evidence outlined above, the variant was classified as benign.

Blueprint Genetics
Classification: Likely benign. Last evaluated: 2024-11-26. Review status: criteria provided, single submitter. Criteria: ACMG Guidelines, 2015. Collection method: clinical testing. Allele origin: germline.

Genetic Services Laboratory, University of Chicago
Classification: Benign. Last evaluated: 2019-07-16. Review status: criteria provided, single submitter. Criteria: ACMG Guidelines, 2015. Collection method: clinical testing. Allele origin: germline. Affected: no.

Mayo Clinic Laboratories, Mayo Clinic
Classification: Benign. Last evaluated: 2018-05-08. Review status: criteria provided, single submitter. Criteria: ACMG Guidelines, 2015. Collection method: clinical testing. Allele origin: germline. Observed: 49 variant alleles.

Clinical Genetics DNA and cytogenetics Diagnostics Lab, Erasmus MC, Erasmus Medical Center
Classification: Benign for Combined immunodeficiency due to LRBA deficiency. Last evaluated: 2016-07-19. Review status: criteria provided, single submitter. Criteria: ACGS Guidelines, 2013. Collection method: clinical testing. Allele origin: germline. Affected: yes. Study: VKGL Data-share Consensus.

Genome Diagnostics Laboratory, University Medical Center Utrecht
Classification: Benign for Combined immunodeficiency due to LRBA deficiency. Last evaluated: 2014-10-09. Review status: criteria provided, single submitter. Criteria: ACGS Guidelines, 2013. Collection method: clinical testing. Allele origin: germline. Affected: yes. Study: VKGL Data-share Consensus.

NM_001364905.1(LRBA):c.1015-10del

Gene: LRBA (LPS responsive beige-like anchor protein; minus strand). Cytogenetic location: 4q31.3.
Variant type: Deletion.
Coding change: c.1015-10del on transcript NM_001364905.1 (MANE Select); 10 bases into the intron before coding-DNA position 1015, one base deleted (T; older notation c.1015-10delT).
Molecular consequence: intron variant.
Genome position (GRCh38, 1-based): chr4:150,914,351, A deleted on the plus strand (T on the coding strand, the reverse complement: LRBA is on the minus strand); the first of 11 consecutive A bases (chr4:150,914,351-150,914,361); deleting any one gives the same sequence. VCF-style (leftmost placement, unchanged base first): chr4-150914350-GA-G. GRCh37 (hg19) VCF-style: chr4-151835502-GA-G.
Other names: p.?; c.1015-10delT (NM_001199282.2, NM_006726.4); c.1015-10del (NM_001367550.1, NM_006726.5, NM_001199282.3 and 2 more transcripts).
Identifiers: ClinVar variation 522233 (VCV000522233.17), dbSNP rs753223643, ClinGen allele CA3103683.